The following is an entry in ClinVar:

NM_006231.4(POLE):c.633A>G (p.Ile211Met)

Gene: POLE (DNA polymerase epsilon, catalytic subunit; minus strand). Cytogenetic location: 12q24.33.
Variant type: single nucleotide variant.
Coding change: c.633A>G on transcript NM_006231.4 (MANE Select); coding-DNA position 633, A replaced by G.
Protein change: p.Ile211Met; replaces isoleucine 211 with methionine.
Molecular consequence: missense variant.
Genome position (GRCh38, 1-based): chr12:132,677,665, T>C on the plus strand (A>G on the coding strand, the complement: POLE is on the minus strand). VCF-style: chr12-132677665-T-C. GRCh37 (hg19) VCF-style: chr12-133254251-T-C.
Other names: short protein forms I211M.
Identifiers: ClinVar variation 955011 (VCV000955011.12), dbSNP rs2043086499, ClinGen allele CA387365205.

ClinVar aggregate classification (germline): Uncertain significance. Review status: criteria provided, multiple submitters, no conflicts (2 of 4 stars). 2 submissions from 2 submitters: Uncertain significance (2). Last evaluated 2022-05-21.

Conditions:
Hereditary cancer-predisposing syndrome. Also called: Hereditary neoplastic syndrome; Tumor predisposition; Neoplastic Syndromes, Hereditary; Hereditary Cancer Syndrome. Identifiers: Orphanet 140162, MedGen C0027672, MeSH D009386, MONDO:0015356.

Submissions (2):

Ambry Genetics
Classification: Uncertain significance for Hereditary cancer-predisposing syndrome. Last evaluated: 2022-05-21. Review status: criteria provided, single submitter. Criteria: Ambry Variant Classification Scheme 2023. Collection method: clinical testing. Allele origin: germline.
Comment: The p.I211M variant (also known as c.633A>G), located in coding exon 7 of the POLE gene, results from an A to G substitution at nucleotide position 633. The isoleucine at codon 211 is replaced by methionine, an amino acid with highly similar properties. This amino acid position is conserved. In addition, this alteration is predicted to be tolerated by in silico analysis. Since supporting evidence is limited at this time, the clinical significance of this alteration remains unclear.

Labcorp Genetics (formerly Invitae), Labcorp
Classification: Uncertain significance. Last evaluated: 2021-03-18. Review status: criteria provided, single submitter. Criteria: Invitae Variant Classification Sherloc (09022015). Collection method: clinical testing. Allele origin: germline.
Comment: In summary, the available evidence is currently insufficient to determine the role of this variant in disease. Therefore, it has been classified as a Variant of Uncertain Significance. Algorithms developed to predict the effect of missense changes on protein structure and function output the following: SIFT: "Tolerated"; PolyPhen-2: "Benign"; Align-GVGD: "Class C0". The methionine amino acid residue is found in multiple mammalian species, suggesting that this missense change does not adversely affect protein function. These predictions have not been confirmed by published functional studies and their clinical significance is uncertain. This variant has not been reported in the literature in individuals with POLE-related conditions. This variant is not present in population databases (ExAC no frequency). This sequence change replaces isoleucine with methionine at codon 211 of the POLE protein (p.Ile211Met). The isoleucine residue is weakly conserved and there is a small physicochemical difference between isoleucine and methionine.